The following is an entry in ClinVar:

NM_020207.7(ERCC6L2):c.3932C>G (p.Ser1311Cys)

Gene: ERCC6L2 (ERCC excision repair 6 like 2; plus strand). Cytogenetic location: 9q22.32.
Variant type: single nucleotide variant.
Coding change: c.3932C>G on transcript NM_020207.7 (MANE Select); coding-DNA position 3932, C replaced by G.
Protein change: p.Ser1311Cys; replaces serine 1311 with cysteine.
Molecular consequence: missense variant. On other transcripts: non-coding transcript variant (1), intron variant (2).
Genome position (GRCh38, 1-based): chr9:96,012,482, C>G. VCF-style: chr9-96012482-C-G. GRCh37 (hg19) VCF-style: chr9-98774764-C-G.
Other names: c.3674+7781C>G (NM_001375291.1, NM_001375292.1); short protein forms S1311C.
Identifiers: ClinVar variation 1494811 (VCV001494811.5), dbSNP rs746043820, ClinGen allele CA5140023.
Genomic context (GRCh38, chr9:96,012,482, plus strand): 5'-AGCGCACCCGGAAGAAATCTGATAAAAGAGAATCTCTTATAAAACCAAGGCTGTCAGATT[C>G]TGAAACCTTGTCATTTAAAGATTCTACCAACAAAATTTCTCAAGTTTGCAGCCTAAAAAC-3'
Protein context (NP_064592.3, residues 1301-1321): ESLIKPRLSD[Ser1311Cys]ETLSFKDSTN

ClinVar aggregate classification (germline): Uncertain significance (1 of 4 stars; one submission).

Allele frequency attached by ClinVar (database versions not stated): gnomAD exomes 0.00001 and 0.00005; gnomAD 0.00003; TOPMed 0.00003; ExAC 0.00008.
gnomAD v4.1: 22 of 1,367,314 alleles (0.0016%); highest among the groups gnomAD compares: East Asian, 0.077%; no homozygotes.

Submission:

Labcorp Genetics (formerly Invitae), Labcorp
Classification: Uncertain significance. Last evaluated: 2022-02-07. Review status: criteria provided, single submitter. Criteria: Invitae Variant Classification Sherloc (09022015). Collection method: clinical testing. Allele origin: germline.
Comment: This sequence change replaces serine, which is neutral and polar, with cysteine, which is neutral and slightly polar, at codon 1322 of the ERCC6L2 protein (p.Ser1322Cys). This variant is present in population databases (rs746043820, gnomAD 0.08%). This variant has not been reported in the literature in individuals affected with ERCC6L2-related conditions. Algorithms developed to predict the effect of missense changes on protein structure and function are either unavailable or do not agree on the potential impact of this missense change (SIFT: "Tolerated"; PolyPhen-2: "Not Available"; Align-GVGD: "Class C0"). In summary, the available evidence is currently insufficient to determine the role of this variant in disease. Therefore, it has been classified as a Variant of Uncertain Significance.